The following is an entry in ClinVar:

ClinVar aggregate classification (germline): Uncertain significance. Review status: criteria provided, multiple submitters, no conflicts (2 of 4 stars). 2 submissions from 2 submitters: Uncertain significance (2). Last evaluated 2024-10-23.

Conditions:
Loeys-Dietz syndrome 2 (LDS2). Also called: Marfan syndrome, type 2 (formerly); Marfan Syndrome type 2; Marfan like connective tissue disorder; MFS 2; AORTIC ANEURYSM, FAMILIAL THORACIC 3; MARFAN SYNDROME, TYPE II. Identifiers: Orphanet 284973, Orphanet 558, MedGen C2674574, MONDO:0012427, OMIM 610168.

Allele frequency attached by ClinVar (database versions not stated): gnomAD 0.00001; gnomAD exomes 0.00001; TOPMed 0.00002.
gnomAD v4.1: 16 of 1,607,980 alleles (0.001%); highest among the groups gnomAD compares: Non-Finnish European, 0.0011%; no homozygotes.

Submissions (2):

Labcorp Genetics (formerly Invitae), Labcorp
Classification: Uncertain significance for Loeys-Dietz syndrome 2. Last evaluated: 2024-10-23. Review status: criteria provided, single submitter. Criteria: Invitae Variant Classification Sherloc (09022015). Collection method: clinical testing. Allele origin: germline.
Comment: This sequence change replaces alanine, which is neutral and non-polar, with threonine, which is neutral and polar, at codon 587 of the TMPO protein (p.Ala587Thr). This variant is present in population databases (no rsID available, gnomAD 0.002%). This variant has not been reported in the literature in individuals affected with TMPO-related conditions. ClinVar contains an entry for this variant (Variation ID: 929243). Invitae Evidence Modeling of protein sequence and biophysical properties (such as structural, functional, and spatial information, amino acid conservation, physicochemical variation, residue mobility, and thermodynamic stability) indicates that this missense variant is not expected to disrupt TMPO protein function with a negative predictive value of 80%. In summary, the available evidence is currently insufficient to determine the role of this variant in disease. Therefore, it has been classified as a Variant of Uncertain Significance.

Women's Health and Genetics/Laboratory Corporation of America, LabCorp
Classification: Uncertain significance. Last evaluated: 2019-09-23. Review status: criteria provided, single submitter. Criteria: LabCorp Variant Classification Summary - May 2015. Collection method: clinical testing. Allele origin: germline.
Comment: Variant summary: TMPO c.1759G>A (p.Ala587Thr) results in a non-conservative amino acid change located in the Lamina-associated polypeptide 2 alpha, C-terminal domain of the encoded protein sequence. Four of five in-silico tools predict a damaging effect of the variant on protein function. The variant allele was found at a frequency of 8e-06 in 249362 control chromosomes (gnomAD). The available data on variant occurrences in the general population are insufficient to allow any conclusion about variant significance. To our knowledge, no occurrence of c.1759G>A in individuals affected with Cardiomyopathy and no experimental evidence demonstrating its impact on protein function have been reported. No clinical diagnostic laboratories have submitted clinical-significance assessments for this variant to ClinVar after 2014. Based on the evidence outlined above, the variant was classified as uncertain significance.

NM_001032283.3(TMPO):c.565+2178G>A

Gene: TMPO (thymopoietin; plus strand). Cytogenetic location: 12q23.1.
Variant type: single nucleotide variant.
Coding change: c.565+2178G>A on transcript NM_001032283.3 (MANE Select); 2178 bases into the intron after coding-DNA position 565, G replaced by A.
Molecular consequence: intron variant. On other transcripts: missense variant (1).
Genome position (GRCh38, 1-based): chr12:98,534,016, G>A. VCF-style: chr12-98534016-G-A. GRCh37 (hg19) VCF-style: chr12-98927794-G-A.
Other names: c.1759G>A, p.Ala587Thr (NM_003276.2); c.565+2178G>A (NM_001307975.2, NM_001032284.3); short protein forms A587T.
Identifiers: ClinVar variation 929243 (VCV000929243.3), dbSNP rs1343917914, ClinGen allele CA386153873.
Genomic context (GRCh38, chr12:98,534,016, plus strand): 5'-TTAGCACTCTGTAGAGCATATGAAGCTGCAGCATCAGCATTGCAGATTGCAACTCACACT[G>A]CCTTTGTAGCTAAGGCTATGCAGGCAGACATTAGTCAAGCTGCACAGATTCTTAGCTCAG-3'